The following is an entry in ClinVar:

NM_000051.4(ATM):c.7178T>C (p.Phe2393Ser)

Genes: ATM (ATM serine/threonine kinase; plus strand), C11orf65 (chromosome 11 open reading frame 65; minus strand). Cytogenetic location: 11q22.3.
Variant type: single nucleotide variant.
Coding change: c.7178T>C on transcript NM_000051.4 (MANE Select); coding-DNA position 7178, T replaced by C.
Protein change: p.Phe2393Ser; replaces phenylalanine 2393 with serine.
Molecular consequence: missense variant. On other transcripts: intron variant (2).
Genome position (GRCh38, 1-based): chr11:108,329,109, T>C. VCF-style: chr11-108329109-T-C. GRCh37 (hg19) VCF-style: chr11-108199836-T-C.
Other names: c.7178T>C, p.Phe2393Ser (NM_001351834.2); c.641-20038A>G (NM_001330368.2); c.*38+6111A>G (NM_001351110.2); short protein forms F2393S.
Identifiers: ClinVar variation 1716486 (VCV001716486.6), dbSNP rs1555122073, ClinGen allele CA382559567.

ClinVar aggregate classification (germline): Uncertain significance (1 of 4 stars; one submission).

Conditions:
Ataxia-telangiectasia syndrome (AT). Also called: Ataxia telangiectasia (A-T); LOUIS-BAR SYNDROME; Cerebello-oculocutaneous telangiectasia; Immunodeficiency with ataxia telangiectasia; Ataxia-telangiectasia, complementation group D; AT, COMPLEMENTATION GROUP C. Identifiers: Orphanet 100, MedGen C0004135, MONDO:0008840, OMIM 208900.

Submission:

Labcorp Genetics (formerly Invitae), Labcorp
Classification: Uncertain significance for Ataxia-telangiectasia syndrome. Last evaluated: 2022-08-16. Review status: criteria provided, single submitter. Criteria: Invitae Variant Classification Sherloc (09022015). Collection method: clinical testing. Allele origin: germline.
Comment: In summary, the available evidence is currently insufficient to determine the role of this variant in disease. Therefore, it has been classified as a Variant of Uncertain Significance. Advanced modeling of protein sequence and biophysical properties (such as structural, functional, and spatial information, amino acid conservation, physicochemical variation, residue mobility, and thermodynamic stability) performed at Invitae indicates that this missense variant is expected to disrupt ATM protein function. This variant has not been reported in the literature in individuals affected with ATM-related conditions. This variant is not present in population databases (gnomAD no frequency). This sequence change replaces phenylalanine, which is neutral and non-polar, with serine, which is neutral and polar, at codon 2393 of the ATM protein (p.Phe2393Ser).